The following is an entry in ClinVar:

ClinVar aggregate classification (germline): Benign (1 of 4 stars; one submission).

Allele frequency attached by ClinVar (database versions not stated): 1000 Genomes Project 30x 0.55497; 1000 Genomes Project 0.55691; TOPMed 0.57094; gnomAD 0.59049 and 0.59185.
gnomAD v4.1: 89,709 of 151,972 alleles (59%); highest among the groups gnomAD compares: South Asian, 65%; 26,837 homozygotes.

Submission:

GeneDx
Classification: Benign. Last evaluated: 2018-06-14. Review status: criteria provided, single submitter. Criteria: GeneDx Variant Classification (06012015). Collection method: clinical testing. Allele origin: germline. Affected: yes.
Comment: This variant is considered likely benign or benign based on one or more of the following criteria: it is a conservative change, it occurs at a poorly conserved position in the protein, it is predicted to be benign by multiple in silico algorithms, and/or has population frequency not consistent with disease.

NM_000255.4(MMUT):c.-39-191A>G

Gene: MMUT (methylmalonyl-CoA mutase; minus strand). Cytogenetic location: 6p12.3.
Variant type: single nucleotide variant.
Coding change: c.-39-191A>G on transcript NM_000255.4 (MANE Select); 191 bases into the intron before 39 bases upstream of the start codon, A replaced by G.
Molecular consequence: intron variant.
Genome position (GRCh38, 1-based): chr6:49,459,696, T>C on the plus strand (A>G on the coding strand, the complement: MMUT is on the minus strand). VCF-style: chr6-49459696-T-C. GRCh37 (hg19) VCF-style: chr6-49427409-T-C.
Identifiers: ClinVar variation 671536 (VCV000671536.1), dbSNP rs9395493, ClinGen allele CA12193981.
Genomic context (GRCh38, chr6:49,459,696, plus strand): 5'-GCACCTGATATTTTATAACTTTGGCCCCTCTTCTTCACAATTACTATCAGTCCTGTAGTT[T>C]CAGTCTTTTTCCTCAGTAGCCTCTTAGCTGGTCTTACTGACCAGTCTTACTCCTTTTCTA-3'